The following is an entry in ClinVar:

ClinVar aggregate classification (germline): Uncertain significance (1 of 4 stars; one submission).

Conditions:
Catecholaminergic polymorphic ventricular tachycardia 1. Also called: RYR2-Related Catecholaminergic Polymorphic Ventricular Tachycardia; VENTRICULAR TACHYCARDIA, CATECHOLAMINERGIC POLYMORPHIC, 1, WITH OR WITHOUT ATRIAL DYSFUNCTION AND/OR DILATED CARDIOMYOPATHY; VENTRICULAR TACHYCARDIA, STRESS-INDUCED POLYMORPHIC 1. Identifiers: Orphanet 3286, MedGen C1631597, MONDO:0011484, OMIM 604772.

Allele frequency attached by ClinVar (database versions not stated): gnomAD exomes below 0.00001.
gnomAD v4.1: 2 of 1,459,802 alleles (0.00014%); highest among the groups gnomAD compares: Non-Finnish European, 0.00018%; no homozygotes.

Submission:

Labcorp Genetics (formerly Invitae), Labcorp
Classification: Uncertain significance for Catecholaminergic polymorphic ventricular tachycardia 1. Last evaluated: 2021-09-02. Review status: criteria provided, single submitter. Criteria: Invitae Variant Classification Sherloc (09022015). Collection method: clinical testing. Allele origin: germline.
Comment: This sequence change replaces isoleucine with threonine at codon 458 of the TRDN protein (p.Ile458Thr). The isoleucine residue is weakly conserved and there is a moderate physicochemical difference between isoleucine and threonine. This variant is not present in population databases (ExAC no frequency). This variant has not been reported in the literature in individuals affected with TRDN-related conditions. Algorithms developed to predict the effect of missense changes on protein structure and function (SIFT, PolyPhen-2, Align-GVGD) all suggest that this variant is likely to be tolerated. In summary, the available evidence is currently insufficient to determine the role of this variant in disease. Therefore, it has been classified as a Variant of Uncertain Significance.

NM_006073.4(TRDN):c.1373T>C (p.Ile458Thr)

Gene: TRDN (triadin; minus strand). Cytogenetic location: 6q22.31.
Variant type: single nucleotide variant.
Coding change: c.1373T>C on transcript NM_006073.4 (MANE Select); coding-DNA position 1373, T replaced by C.
Protein change: p.Ile458Thr; replaces isoleucine 458 with threonine.
Molecular consequence: missense variant.
Genome position (GRCh38, 1-based): chr6:123,337,666, A>G on the plus strand (T>C on the coding strand, the complement: TRDN is on the minus strand). VCF-style: chr6-123337666-A-G. GRCh37 (hg19) VCF-style: chr6-123658811-A-G.
Other names: short protein forms I458T.
Identifiers: ClinVar variation 941026 (VCV000941026.8), dbSNP rs1216864060, ClinGen allele CA365564954.